The following is an entry in ClinVar:

ClinVar aggregate classification (germline): Uncertain significance (1 of 4 stars; one submission).

gnomAD v4.1: 1 of 1,614,218 alleles (0.000062%); highest among the groups gnomAD compares: Non-Finnish European, 0.000085%; no homozygotes.

Submission:

Labcorp Genetics (formerly Invitae), Labcorp
Classification: Uncertain significance. Last evaluated: 2024-04-14. Review status: criteria provided, single submitter. Criteria: Invitae Variant Classification Sherloc (09022015). Collection method: clinical testing. Allele origin: germline.
Comment: This sequence change replaces arginine, which is basic and polar, with threonine, which is neutral and polar, at codon 505 of the COL4A1 protein (p.Arg505Thr). This variant is present in population databases (no rsID available, gnomAD 0.0009%). This variant has not been reported in the literature in individuals affected with COL4A1-related conditions. Advanced modeling of protein sequence and biophysical properties (such as structural, functional, and spatial information, amino acid conservation, physicochemical variation, residue mobility, and thermodynamic stability) performed at Invitae indicates that this missense variant is not expected to disrupt COL4A1 protein function with a negative predictive value of 95%. In summary, the available evidence is currently insufficient to determine the role of this variant in disease. Therefore, it has been classified as a Variant of Uncertain Significance.

NM_001845.6(COL4A1):c.1514G>C (p.Arg505Thr)

Gene: COL4A1 (collagen type IV alpha 1 chain; minus strand). Cytogenetic location: 13q34.
Variant type: single nucleotide variant.
Coding change: c.1514G>C on transcript NM_001845.6 (MANE Select); coding-DNA position 1514, G replaced by C.
Protein change: p.Arg505Thr; replaces arginine 505 with threonine.
Molecular consequence: missense variant.
Genome position (GRCh38, 1-based): chr13:110,192,236, C>G on the plus strand (G>C on the coding strand, the complement: COL4A1 is on the minus strand). VCF-style: chr13-110192236-C-G. GRCh37 (hg19) VCF-style: chr13-110844583-C-G.
Other names: c.1514G>C, p.Arg505Thr (NM_001303110.2); short protein forms R505T.
Identifiers: ClinVar variation 3649853 (VCV003649853.2).